The following is an entry in ClinVar:

NM_145690.3(YWHAZ):c.538G>A (p.Glu180Lys)

Gene: YWHAZ (tyrosine 3-monooxygenase/tryptophan 5-monooxygenase activation protein zeta; minus strand). Cytogenetic location: 8q22.3.
Variant type: single nucleotide variant.
Coding change: c.538G>A on transcript NM_145690.3 (MANE Select); coding-DNA position 538, G replaced by A.
Protein change: p.Glu180Lys; replaces glutamic acid 180 with lysine.
Molecular consequence: missense variant.
Genome position (GRCh38, 1-based): chr8:100,924,179, C>T on the plus strand (G>A on the coding strand, the complement: YWHAZ is on the minus strand). VCF-style: chr8-100924179-C-T. GRCh37 (hg19) VCF-style: chr8-101936407-C-T.
Other names: c.538G>A, p.Glu180Lys (NM_001135699.2, NM_001135700.2, NM_001135701.2 and 2 more transcripts); short protein forms E180K.
Identifiers: ClinVar variation 3384250 (VCV003384250.2).

ClinVar aggregate classification (germline): Likely pathogenic (1 of 4 stars; one submission).

Submission:

GeneDx
Classification: Likely pathogenic. Last evaluated: 2026-10-15. Review status: criteria provided, single submitter. Criteria: GeneDx Variant Classification Process June 2021. Collection method: clinical testing. Allele origin: germline.
Comment: Not observed at significant frequency in large population cohorts (gnomAD); In silico analysis supports that this missense variant has a deleterious effect on protein structure/function; Has not been previously published as pathogenic or benign to our knowledge